The following is an entry in ClinVar:

ClinVar aggregate classification (germline): Uncertain significance (1 of 4 stars; one submission).

Conditions:
Early-infantile DEE. Also called: Early infantile epileptic encephalopathy with suppression bursts; Early infantile epileptic encephalopathy; Ohtahara syndrome. Identifiers: Orphanet 1934, MedGen C0393706, MONDO:0800491.

gnomAD v4.1: 16 of 1,611,826 alleles (0.00099%); highest among the groups gnomAD compares: Non-Finnish European, 0.0014%; no homozygotes.

Submission:

Labcorp Genetics (formerly Invitae), Labcorp
Classification: Uncertain significance for Early-infantile DEE. Last evaluated: 2024-02-23. Review status: criteria provided, single submitter. Criteria: Invitae Variant Classification Sherloc (09022015). Collection method: clinical testing. Allele origin: germline.
Comment: This sequence change replaces serine, which is neutral and polar, with cysteine, which is neutral and slightly polar, at codon 51 of the KCNH5 protein (p.Ser51Cys). This variant is present in population databases (no rsID available, gnomAD 0.0009%). This variant has not been reported in the literature in individuals affected with KCNH5-related conditions. Advanced modeling of protein sequence and biophysical properties (such as structural, functional, and spatial information, amino acid conservation, physicochemical variation, residue mobility, and thermodynamic stability) performed at Invitae indicates that this missense variant is not expected to disrupt KCNH5 protein function with a negative predictive value of 80%. In summary, the available evidence is currently insufficient to determine the role of this variant in disease. Therefore, it has been classified as a Variant of Uncertain Significance.

NM_139318.5(KCNH5):c.152C>G (p.Ser51Cys)

Gene: KCNH5 (potassium voltage-gated channel subfamily H member 5; minus strand). Cytogenetic location: 14q23.2.
Variant type: single nucleotide variant.
Coding change: c.152C>G on transcript NM_139318.5 (MANE Select); coding-DNA position 152, C replaced by G.
Protein change: p.Ser51Cys; replaces serine 51 with cysteine.
Molecular consequence: missense variant.
Genome position (GRCh38, 1-based): chr14:63,016,876, G>C on the plus strand (C>G on the coding strand, the complement: KCNH5 is on the minus strand). VCF-style: chr14-63016876-G-C. GRCh37 (hg19) VCF-style: chr14-63483594-G-C.
Other names: c.152C>G, p.Ser51Cys (NM_172375.3); short protein forms S51C.
Identifiers: ClinVar variation 3702049 (VCV003702049.2).